The following is an entry in ClinVar:

ClinVar aggregate classification (germline): Likely benign (1 of 4 stars; one submission).

Allele frequency attached by ClinVar (database versions not stated): 1000 Genomes Project 30x 0.00125; 1000 Genomes Project 0.00160; gnomAD 0.00271; TOPMed 0.00288.
gnomAD v4.1: 414 of 152,318 alleles (0.27%); highest among the groups gnomAD compares: Middle Eastern, 0.68%; 3 homozygotes.

Submission:

CeGaT Center for Human Genetics Tuebingen
Classification: Likely benign. Last evaluated: 2022-11-01. Review status: criteria provided, single submitter. Criteria: CeGaT Center For Human Genetics Tuebingen Variant Classification Criteria Version 2. Collection method: clinical testing. Allele origin: germline. Affected: yes. Observed: 1 variant allele.
Comment: MAD2L2: BS2

NM_001127325.2(MAD2L2):c.-13+3286G>A

Genes: DRAXIN (dorsal inhibitory axon guidance protein; plus strand), MAD2L2 (mitotic arrest deficient 2 like 2; minus strand). Cytogenetic location: 1p36.22.
Variant type: single nucleotide variant.
Coding change: c.-13+3286G>A on transcript NM_001127325.2; 3286 bases into the intron after 13 bases upstream of the start codon, G replaced by A.
Molecular consequence: intron variant.
Genome position (GRCh38, 1-based): chr1:11,688,127, C>T on the plus strand (G>A on the coding strand, the complement: MAD2L2 is on the minus strand). VCF-style: chr1-11688127-C-T. GRCh37 (hg19) VCF-style: chr1-11748184-C-T.
Identifiers: ClinVar variation 2638237 (VCV002638237.22), dbSNP rs138973889, ClinGen allele CA17969938.